The following is an entry in ClinVar:

NM_000038.6(APC):c.8119G>A (p.Gly2707Ser)

Gene: APC (APC regulator of Wnt signaling pathway; plus strand). Cytogenetic location: 5q22.2.
Variant type: single nucleotide variant.
Coding change: c.8119G>A on transcript NM_000038.6 (MANE Select); coding-DNA position 8119, G replaced by A.
Protein change: p.Gly2707Ser; replaces glycine 2707 with serine.
Molecular consequence: missense variant.
Genome position (GRCh38, 1-based): chr5:112,843,713, G>A. VCF-style: chr5-112843713-G-A. GRCh37 (hg19) VCF-style: chr5-112179410-G-A.
Other names: c.8119G>A, p.Gly2707Ser (NM_001127510.3, NM_001354895.2, NM_001407450.1); c.8065G>A, p.Gly2689Ser (NM_001127511.3); c.8173G>A, p.Gly2725Ser (NM_001354896.2, NM_001407447.1, NM_001407448.1 and 1 more transcripts); c.8149G>A, p.Gly2717Ser (NM_001354897.2); c.8044G>A, p.Gly2682Ser (NM_001354898.2); c.8035G>A, p.Gly2679Ser (NM_001354899.2); c.7996G>A, p.Gly2666Ser (NM_001354900.2); c.7942G>A, p.Gly2648Ser (NM_001354901.2, NM_001407453.1); and 11 more; short protein forms G2624S, G2682S, G2323S, G2616S, G2689S, G2697S, G2700S, G2725S.
Identifiers: ClinVar variation 1762066 (VCV001762066.5), dbSNP rs1554088906, ClinGen allele CA16038966.

ClinVar aggregate classification (germline): Uncertain significance. Review status: criteria provided, multiple submitters, no conflicts (2 of 4 stars). 2 submissions from 2 submitters: Uncertain significance (2). Last evaluated 2023-03-22.

Conditions:
Hereditary cancer-predisposing syndrome. Also called: Neoplastic Syndromes, Hereditary; Tumor predisposition; Hereditary Cancer Syndrome; Hereditary neoplastic syndrome. Identifiers: Orphanet 140162, MedGen C0027672, MeSH D009386, MONDO:0015356.
Familial adenomatous polyposis 1 (FAP1). Also called: FAMILIAL ADENOMATOUS POLYPOSIS 1, ATTENUATED; POLYPOSIS, ADENOMATOUS INTESTINAL. Identifiers: MedGen C2713442, MONDO:0021056, OMIM 175100. Disease mechanism: loss of function.

Submissions (2):

Labcorp Genetics (formerly Invitae), Labcorp
Classification: Uncertain significance for Familial adenomatous polyposis 1. Last evaluated: 2023-03-22. Review status: criteria provided, single submitter. Criteria: Invitae Variant Classification Sherloc (09022015). Collection method: clinical testing. Allele origin: germline.
Comment: This sequence change replaces glycine, which is neutral and non-polar, with serine, which is neutral and polar, at codon 2707 of the APC protein (p.Gly2707Ser). This variant is not present in population databases (gnomAD no frequency). This variant has not been reported in the literature in individuals affected with APC-related conditions. ClinVar contains an entry for this variant (Variation ID: 1762066). Advanced modeling of protein sequence and biophysical properties (such as structural, functional, and spatial information, amino acid conservation, physicochemical variation, residue mobility, and thermodynamic stability) performed at Invitae indicates that this missense variant is not expected to disrupt APC protein function. In summary, the available evidence is currently insufficient to determine the role of this variant in disease. Therefore, it has been classified as a Variant of Uncertain Significance.

Ambry Genetics
Classification: Uncertain significance for Hereditary cancer-predisposing syndrome. Last evaluated: 2020-10-19. Review status: criteria provided, single submitter. Criteria: Ambry Variant Classification Scheme 2023. Collection method: clinical testing. Allele origin: germline.
Comment: The p.G2707S variant (also known as c.8119G>A), located in coding exon 15 of the APC gene, results from a G to A substitution at nucleotide position 8119. The glycine at codon 2707 is replaced by serine, an amino acid with similar properties. This amino acid position is not well conserved in available vertebrate species, and serine is the reference amino acid in other vertebrate species. In addition, in silico predictors for this gene do not accurately predict pathogenicity. Since supporting evidence is limited at this time, the clinical significance of this alteration remains unclear.